The following is an entry in ClinVar:

ClinVar aggregate classification (germline): Uncertain significance (1 of 4 stars; one submission).

Conditions:
Immunodeficiency 39 (IMD39). Identifiers: Orphanet 574918, MedGen C4225358, MONDO:0014597, OMIM 616345.

Allele frequency attached by ClinVar (database versions not stated): gnomAD 0.00001.
gnomAD v4.1: 10 of 1,575,030 alleles (0.00063%); highest among the groups gnomAD compares: Middle Eastern, 0.017%; no homozygotes.

Submission:

Labcorp Genetics (formerly Invitae), Labcorp
Classification: Uncertain significance for Immunodeficiency 39. Last evaluated: 2023-12-01. Review status: criteria provided, single submitter. Criteria: Invitae Variant Classification Sherloc (09022015). Collection method: clinical testing. Allele origin: germline.
Comment: This sequence change replaces arginine, which is basic and polar, with cysteine, which is neutral and slightly polar, at codon 357 of the IRF7 protein (p.Arg357Cys). This variant is present in population databases (no rsID available, gnomAD 0.004%). This variant has not been reported in the literature in individuals affected with IRF7-related conditions. Advanced modeling of protein sequence and biophysical properties (such as structural, functional, and spatial information, amino acid conservation, physicochemical variation, residue mobility, and thermodynamic stability) performed at Invitae indicates that this missense variant is not expected to disrupt IRF7 protein function with a negative predictive value of 80%. In summary, the available evidence is currently insufficient to determine the role of this variant in disease. Therefore, it has been classified as a Variant of Uncertain Significance.

NM_001572.5(IRF7):c.1030C>T (p.Arg344Cys)

Gene: IRF7 (interferon regulatory factor 7; minus strand). Cytogenetic location: 11p15.5.
Variant type: single nucleotide variant.
Coding change: c.1030C>T on transcript NM_001572.5 (MANE Select); coding-DNA position 1030, C replaced by T.
Protein change: p.Arg344Cys; replaces arginine 344 with cysteine.
Molecular consequence: missense variant.
Genome position (GRCh38, 1-based): chr11:613,413, G>A on the plus strand (C>T on the coding strand, the complement: IRF7 is on the minus strand). VCF-style: chr11-613413-G-A. GRCh37 (hg19) VCF-style: chr11-613413-G-A.
Other names: c.943C>T, p.Arg315Cys (NM_004029.4); c.1069C>T, p.Arg357Cys (NM_004031.4); short protein forms R357C, R315C, R344C.
Identifiers: ClinVar variation 2902199 (VCV002902199.3), dbSNP rs1483835403, ClinGen allele CA378979114.
Genomic context (GRCh38, chr11:613,413, plus strand): 5'-GCCCCCGAAGCTCCAGGTGCAACCCAGGGGCCACGTGCCGCAGCAGTTCCTCCGTGTAGC[G>A]CAGCTGCTTCTGGTCCGGGAGCTCGGCAGGGCTGGGGAATGCTACCTGCTGGGGGTCTGT-3'
Protein context (NP_001563.2, residues 334-354): PAELPDQKQL[Arg344Cys]YTEELLRHVA